The following is an entry in ClinVar:

NM_015087.5(SPART):c.1399G>A (p.Val467Met)

Gene: SPART (spartin; minus strand). Cytogenetic location: 13q13.3.
Variant type: single nucleotide variant.
Coding change: c.1399G>A on transcript NM_015087.5 (MANE Select); coding-DNA position 1399, G replaced by A.
Protein change: p.Val467Met; replaces valine 467 with methionine.
Molecular consequence: missense variant.
Genome position (GRCh38, 1-based): chr13:36,314,311, C>T on the plus strand (G>A on the coding strand, the complement: SPART is on the minus strand). VCF-style: chr13-36314311-C-T. GRCh37 (hg19) VCF-style: chr13-36888448-C-T.
Other names: c.1399G>A, p.Val467Met (NM_001142294.2, NM_001142295.2, NM_001142296.2); short protein forms V467M.
Identifiers: ClinVar variation 1032653 (VCV001032653.1), dbSNP rs763966969, ClinGen allele CA6949402.

ClinVar aggregate classification (germline): Uncertain significance (1 of 4 stars; one submission).

Conditions:
Troyer syndrome (SPG20). Identifiers: Orphanet 101000, MedGen C0393559, MONDO:0010156, OMIM 275900.

Allele frequency attached by ClinVar (database versions not stated): gnomAD 0.00001; gnomAD exomes 0.00001 and 0.00002; TOPMed 0.00001; ExAC 0.00002.
gnomAD v4.1: 32 of 1,614,016 alleles (0.002%); highest among the groups gnomAD compares: African/African-American, 0.0027%; no homozygotes.

Submission:

Baylor Genetics
Classification: Uncertain significance for Troyer syndrome. Last evaluated: 2018-11-03. Review status: criteria provided, single submitter. Criteria: ACMG Guidelines, 2015. Collection method: clinical testing. Allele origin: maternal. Affected: yes.
Comment: This variant was determined to be of uncertain significance according to ACMG Guidelines, 2015 [PMID:25741868].